The following is an entry in ClinVar:

ClinVar aggregate classification (germline): Uncertain significance. Review status: criteria provided, multiple submitters, no conflicts (2 of 4 stars). 2 submissions from 2 submitters: Uncertain significance (2). Last evaluated 2025-03-16.

Conditions:
Inborn genetic diseases. Identifiers: MedGen C0950123, MeSH D030342.
Developmental and epileptic encephalopathy, 9 (DEE9). Also called: Early infantile epileptic encephalopathy 9; JUBERG-HELLMAN SYNDROME; PCDH19-Related X-Linked Female-Limited Epilepsy with Mental Retardation; EPILEPSY, FEMALE-RESTRICTED, WITH MENTAL RETARDATION. Identifiers: Orphanet 101039, Orphanet 2076, MedGen C1848137, MONDO:0010246, OMIM 300088. Disease mechanism: loss of function.

Allele frequency attached by ClinVar (database versions not stated): ExAC 0.00001; gnomAD exomes 0.00001; TOPMed 0.00001; gnomAD 0.00002; ESP Exome Variant Server 0.00022.
gnomAD v4.1: 10 of 1,208,272 alleles (0.00083%); highest among the groups gnomAD compares: African/African-American, 0.0017%; no homozygotes.

Submissions (2):

Labcorp Genetics (formerly Invitae), Labcorp
Classification: Uncertain significance for Developmental and epileptic encephalopathy, 9. Last evaluated: 2025-03-16. Review status: criteria provided, single submitter. Criteria: Invitae Variant Classification Sherloc (09022015). Collection method: clinical testing. Allele origin: germline.
Comment: This sequence change replaces isoleucine, which is neutral and non-polar, with threonine, which is neutral and polar, at codon 745 of the PCDH19 protein (p.Ile745Thr). The frequency data for this variant in the population databases is considered unreliable, as metrics indicate poor data quality at this position in the gnomAD database. This variant has not been reported in the literature in individuals affected with PCDH19-related conditions. ClinVar contains an entry for this variant (Variation ID: 589550). Invitae Evidence Modeling of protein sequence and biophysical properties (such as structural, functional, and spatial information, amino acid conservation, physicochemical variation, residue mobility, and thermodynamic stability) indicates that this missense variant is not expected to disrupt PCDH19 protein function with a negative predictive value of 95%. In summary, the available evidence is currently insufficient to determine the role of this variant in disease. Therefore, it has been classified as a Variant of Uncertain Significance.

Ambry Genetics
Classification: Uncertain significance for Inborn genetic diseases. Last evaluated: 2017-03-08. Review status: criteria provided, single submitter. Criteria: Ambry Variant Classification Scheme 2023. Collection method: clinical testing. Allele origin: germline.
Comment: The p.I745T variant (also known as c.2234T>C), located in coding exon 2 of the PCDH19 gene, results from a T to C substitution at nucleotide position 2234. The isoleucine at codon 745 is replaced by threonine, an amino acid with similar properties. This amino acid position is not well conserved in available vertebrate species. In addition, this alteration is predicted to be tolerated by in silico analysis. Since supporting evidence is limited at this time, the clinical significance of this alteration remains unclear.

NM_001184880.2(PCDH19):c.2234T>C (p.Ile745Thr)

Genes: PCDH19 (protocadherin 19; minus strand), LOC125467768 (CDK7 strongly-dependent group 2 enhancer GRCh37_chrX:99657381-99658580; plus strand). Cytogenetic location: Xq22.1.
Variant type: single nucleotide variant.
Coding change: c.2234T>C on transcript NM_001184880.2 (MANE Select); coding-DNA position 2234, T replaced by C.
Protein change: p.Ile745Thr; replaces isoleucine 745 with threonine.
Molecular consequence: missense variant. On other transcripts: intron variant (2).
Genome position (GRCh38, 1-based): chrX:100,403,578, A>G on the plus strand (T>C on the coding strand, the complement: PCDH19 is on the minus strand). VCF-style: chrX-100403578-A-G. GRCh37 (hg19) VCF-style: chrX-99658576-A-G.
Other names: c.2148-727T>C (NM_020766.3, NM_001105243.2); short protein forms I745T.
Identifiers: ClinVar variation 589550 (VCV000589550.10), dbSNP rs369703205, ClinGen allele CA10468797.